The following is an entry in ClinVar:

ClinVar aggregate classification (germline): Uncertain significance (1 of 4 stars; one submission).

Conditions:
Combined oxidative phosphorylation defect type 27. Also called: Combined oxidative phosphorylation deficiency 27. Identifiers: Orphanet 477774, MedGen C5567608, MONDO:0014728, OMIM 616672.

Allele frequency attached by ClinVar (database versions not stated): gnomAD exomes 0.00001; TOPMed 0.00002; gnomAD 0.00003.
gnomAD v4.1: 14 of 1,610,760 alleles (0.00087%); highest among the groups gnomAD compares: Admixed American, 0.0067%; no homozygotes.

Submission:

Labcorp Genetics (formerly Invitae), Labcorp
Classification: Uncertain significance for Combined oxidative phosphorylation defect type 27. Last evaluated: 2025-10-16. Review status: criteria provided, single submitter. Criteria: Invitae Variant Classification Sherloc (09022015). Collection method: clinical testing. Allele origin: germline.
Comment: This sequence change replaces alanine, which is neutral and non-polar, with valine, which is neutral and non-polar, at codon 234 of the CARS2 protein (p.Ala234Val). This variant is not present in population databases (gnomAD no frequency). This variant has not been reported in the literature in individuals affected with CARS2-related conditions. ClinVar contains an entry for this variant (Variation ID: 859770). Invitae Evidence Modeling of protein sequence and biophysical properties (such as structural, functional, and spatial information, amino acid conservation, physicochemical variation, residue mobility, and thermodynamic stability) indicates that this missense variant is not expected to disrupt CARS2 protein function with a negative predictive value of 80%. In summary, the available evidence is currently insufficient to determine the role of this variant in disease. Therefore, it has been classified as a Variant of Uncertain Significance.

NM_024537.4(CARS2):c.701C>T (p.Ala234Val)

Gene: CARS2 (cysteinyl-tRNA synthetase 2, mitochondrial; minus strand). Cytogenetic location: 13q34.
Variant type: single nucleotide variant.
Coding change: c.701C>T on transcript NM_024537.4 (MANE Select); coding-DNA position 701, C replaced by T.
Protein change: p.Ala234Val; replaces alanine 234 with valine.
Molecular consequence: missense variant. On other transcripts: 5 prime UTR variant (1), non-coding transcript variant (2).
Genome position (GRCh38, 1-based): chr13:110,677,058, G>A on the plus strand (C>T on the coding strand, the complement: CARS2 is on the minus strand). VCF-style: chr13-110677058-G-A. GRCh37 (hg19) VCF-style: chr13-111329405-G-A.
Other names: c.-86C>T (NM_001352252.2); c.701C>T, p.Ala234Val (NM_001352253.3); short protein forms A234V.
Identifiers: ClinVar variation 859770 (VCV000859770.8), dbSNP rs2062972972, ClinGen allele CA388735328.
Genomic context (GRCh38, chr13:110,677,058, plus strand): 5'-TGCCAGCCCGGCCTCCCGGGTCCCCAGGGAGAGGCCCAGAACACCTCCTGGGGTTTGGCC[G>A]CCTTCCACAGGGCGAAGTCACTGGCATGACGCTTGTCAGAGTCCGCTGCAGATGACAAAC-3'
Protein context (NP_078813.1, residues 224-244): RHASDFALWK[Ala234Val]AKPQEVFWAS